The following is an entry in ClinVar:

ClinVar aggregate classification (germline): Uncertain significance (1 of 4 stars; one submission).

Conditions:
Hereditary cancer-predisposing syndrome. Also called: Neoplastic Syndromes, Hereditary; Tumor predisposition; Hereditary Cancer Syndrome; Hereditary neoplastic syndrome. Identifiers: Orphanet 140162, MedGen C0027672, MeSH D009386, MONDO:0015356.

Submission:

Ambry Genetics
Classification: Uncertain significance for Hereditary cancer-predisposing syndrome. Last evaluated: 2021-09-16. Review status: criteria provided, single submitter. Criteria: Ambry Variant Classification Scheme 2023. Collection method: clinical testing. Allele origin: germline.
Comment: The p.G545R variant (also known as c.1633G>C), located in coding exon 5 of the AXIN2 gene, results from a G to C substitution at nucleotide position 1633. The glycine at codon 545 is replaced by arginine, an amino acid with dissimilar properties. This amino acid position is conserved. In addition, this alteration is predicted to be tolerated by in silico analysis. Since supporting evidence is limited at this time, the clinical significance of this alteration remains unclear.

NM_004655.4(AXIN2):c.1633G>C (p.Gly545Arg)

Gene: AXIN2 (axin 2; minus strand). Cytogenetic location: 17q24.1.
Variant type: single nucleotide variant.
Coding change: c.1633G>C on transcript NM_004655.4 (MANE Select); coding-DNA position 1633, G replaced by C.
Protein change: p.Gly545Arg; replaces glycine 545 with arginine.
Molecular consequence: missense variant.
Genome position (GRCh38, 1-based): chr17:65,537,403, C>G on the plus strand (G>C on the coding strand, the complement: AXIN2 is on the minus strand). VCF-style: chr17-65537403-C-G. GRCh37 (hg19) VCF-style: chr17-63533521-C-G.
Other names: c.1633G>C, p.Gly545Arg (NM_001363813.1); short protein forms G545R.
Identifiers: ClinVar variation 1776882 (VCV001776882.2), dbSNP rs148951121, ClinGen allele CA400677079.